The following is an entry in ClinVar:

NM_001164277.2(SLC37A4):c.989G>C (p.Trp330Ser)

Gene: SLC37A4 (solute carrier family 37 member 4; minus strand). Cytogenetic location: 11q23.3.
Variant type: single nucleotide variant.
Coding change: c.989G>C on transcript NM_001164277.2 (MANE Select); coding-DNA position 989, G replaced by C.
Protein change: p.Trp330Ser; replaces tryptophan 330 with serine.
Molecular consequence: missense variant.
Genome position (GRCh38, 1-based): chr11:119,025,325, C>G on the plus strand (G>C on the coding strand, the complement: SLC37A4 is on the minus strand). VCF-style: chr11-119025325-C-G. GRCh37 (hg19) VCF-style: chr11-118896035-C-G.
Other names: c.1055G>C, p.Trp352Ser (NM_001164278.2); c.770G>C, p.Trp257Ser (NM_001164279.2); c.989G>C, p.Trp330Ser (NM_001164280.2, NM_001467.6); short protein forms W330S, W257S, W352S.
Identifiers: ClinVar variation 551256 (VCV000551256.6), dbSNP rs782282206, ClinGen allele CA6311643.

ClinVar aggregate classification (germline): Uncertain significance. Review status: criteria provided, single submitter (1 of 4 stars). 2 submissions from 2 submitters: Uncertain significance (1). 1 of the submissions does not count toward it. Last evaluated 2025-12-13.

Conditions:
Glucose-6-phosphate transport defect (GSD1B). Also called: Glycogen Storage Disease Type Ib; GSD Ib. Identifiers: Orphanet 364, Orphanet 79259, MedGen C0268146, MONDO:0009288, OMIM 232220.

Allele frequency attached by ClinVar (database versions not stated): gnomAD exomes below 0.00001 and 0.00001; ExAC 0.00002.

Submissions (2):

Labcorp Genetics (formerly Invitae), Labcorp
Classification: Uncertain significance for Glucose-6-phosphate transport defect. Last evaluated: 2025-12-13. Review status: criteria provided, single submitter. Criteria: Invitae Variant Classification Sherloc (09022015). Collection method: clinical testing. Allele origin: germline.
Comment: This sequence change replaces tryptophan, which is neutral and slightly polar, with serine, which is neutral and polar, at codon 330 of the SLC37A4 protein (p.Trp330Ser). This variant is present in population databases (rs782282206, gnomAD 0.003%). This variant has not been reported in the literature in individuals affected with SLC37A4-related conditions. ClinVar contains an entry for this variant (Variation ID: 551256). Invitae Evidence Modeling of protein sequence and biophysical properties (such as structural, functional, and spatial information, amino acid conservation, physicochemical variation, residue mobility, and thermodynamic stability) indicates that this missense variant is not expected to disrupt SLC37A4 protein function with a negative predictive value of 80%. In summary, the available evidence is currently insufficient to determine the role of this variant in disease. Therefore, it has been classified as a Variant of Uncertain Significance.

Counsyl
Classification: Uncertain significance for Glucose-6-phosphate transport defect. Last evaluated: 2017-03-28. Review status: no assertion criteria provided. Collection method: clinical testing. Allele origin: unknown. Not counted in ClinVar's aggregate classification.